The following is an entry in ClinVar:

NM_002439.5(MSH3):c.3040G>T (p.Val1014Phe)

Gene: MSH3 (mutS homolog 3; plus strand). Cytogenetic location: 5q14.1.
Variant type: single nucleotide variant.
Coding change: c.3040G>T on transcript NM_002439.5 (MANE Select); coding-DNA position 3040, G replaced by T.
Protein change: p.Val1014Phe; replaces valine 1014 with phenylalanine.
Molecular consequence: missense variant.
Genome position (GRCh38, 1-based): chr5:80,864,852, G>T. VCF-style: chr5-80864852-G-T. GRCh37 (hg19) VCF-style: chr5-80160671-G-T.
Other names: short protein forms V1014F.
Identifiers: ClinVar variation 1399995 (VCV001399995.6), dbSNP rs1746073377, ClinGen allele CA360346182.

ClinVar aggregate classification (germline): Uncertain significance (1 of 4 stars; one submission).

gnomAD v4.1: 1 of 1,613,312 alleles (0.000062%); highest among the groups gnomAD compares: Non-Finnish European, 0.000085%; no homozygotes.

Submission:

Labcorp Genetics (formerly Invitae), Labcorp
Classification: Uncertain significance. Last evaluated: 2021-10-16. Review status: criteria provided, single submitter. Criteria: Invitae Variant Classification Sherloc (09022015). Collection method: clinical testing. Allele origin: germline.
Comment: This variant is not present in population databases (ExAC no frequency). This sequence change replaces valine with phenylalanine at codon 1014 of the MSH3 protein (p.Val1014Phe). The valine residue is moderately conserved and there is a small physicochemical difference between valine and phenylalanine. This variant has not been reported in the literature in individuals affected with MSH3-related conditions. In summary, the available evidence is currently insufficient to determine the role of this variant in disease. Therefore, it has been classified as a Variant of Uncertain Significance. Algorithms developed to predict the effect of missense changes on protein structure and function are either unavailable or do not agree on the potential impact of this missense change (SIFT: "Deleterious"; PolyPhen-2: "Possibly Damaging"; Align-GVGD: "Class C0").